The following is an entry in ClinVar:

ClinVar aggregate classification (germline): Likely benign (1 of 4 stars; one submission).

Submission:

CeGaT Center for Human Genetics Tuebingen
Classification: Likely benign. Last evaluated: 2024-02-01. Review status: criteria provided, single submitter. Criteria: CeGaT Center For Human Genetics Tuebingen Variant Classification Criteria Version 2. Collection method: clinical testing. Allele origin: germline. Affected: yes. Observed: 1 variant allele.
Comment: PACS1: PM2:Supporting, BP4, BP7

NM_018026.4(PACS1):c.2220C>T (p.Asp740=)

Gene: PACS1 (phosphofurin acidic cluster sorting protein 1; plus strand). Cytogenetic location: 11q13.2.
Variant type: single nucleotide variant.
Coding change: c.2220C>T on transcript NM_018026.4 (MANE Select); coding-DNA position 2220, C replaced by T.
Protein change: p.Asp740=; no amino-acid change (aspartic acid 740 retained).
Molecular consequence: synonymous variant.
Genome position (GRCh38, 1-based): chr11:66,235,910, C>T. VCF-style: chr11-66235910-C-T. GRCh37 (hg19) VCF-style: chr11-66003381-C-T.
Identifiers: ClinVar variation 3027320 (VCV003027320.22), dbSNP rs758713328, ClinGen allele CA475310919.
Genomic context (GRCh38, chr11:66,235,910, plus strand): 5'-TCCCTGTCTCTCCTACTAACTATGAAGCTCTCCTGTGTCTCCCAACAGCCCTGATGAAGA[C>T]TCCTATCAGAAGTTTATTCCCTTCATTGGCGTGAGTACTGACTCCCTCTGCTTGGCACCC-3'
Protein context (NP_060496.2, residues 730-750): LTCRHKFPDE[Asp740=]SYQKFIPFIG